The following is an entry in ClinVar:

NM_002618.4(PEX13):c.1158G>C (p.Lys386Asn)

Gene: PEX13 (peroxisomal biogenesis factor 13; plus strand). Cytogenetic location: 2p15.
Variant type: single nucleotide variant.
Coding change: c.1158G>C on transcript NM_002618.4 (MANE Select); coding-DNA position 1158, G replaced by C.
Protein change: p.Lys386Asn; replaces lysine 386 with asparagine.
Molecular consequence: missense variant.
Genome position (GRCh38, 1-based): chr2:61,048,716, G>C. VCF-style: chr2-61048716-G-C. GRCh37 (hg19) VCF-style: chr2-61275851-G-C.
Other names: c.1158G>C (NM_002618.3); short protein forms K386N.
Identifiers: ClinVar variation 1396817 (VCV001396817.6), dbSNP rs371789976, ClinGen allele CA346950280.

ClinVar aggregate classification (germline): Uncertain significance. Review status: criteria provided, multiple submitters, no conflicts (2 of 4 stars). 2 submissions from 2 submitters: Uncertain significance (2). Last evaluated 2025-08-06.

Conditions:
Inborn genetic diseases. Identifiers: MedGen C0950123, MeSH D030342.
Peroxisome biogenesis disorder 11A (Zellweger). Also called: Peroxisome biogenesis disorder 11A. Identifiers: Orphanet 912, MedGen C3554000, MONDO:0013949, OMIM 614883.

gnomAD v4.1: 7 of 1,613,862 alleles (0.00043%); highest among the groups gnomAD compares: Middle Eastern, 0.033%; 1 homozygote.

Submissions (2):

Ambry Genetics
Classification: Uncertain significance for Inborn genetic diseases. Last evaluated: 2025-08-06. Review status: criteria provided, single submitter. Criteria: Ambry Variant Classification Scheme 2023. Collection method: clinical testing. Allele origin: germline.

Labcorp Genetics (formerly Invitae), Labcorp
Classification: Uncertain significance for Peroxisome biogenesis disorder 11A (Zellweger). Last evaluated: 2022-10-24. Review status: criteria provided, single submitter. Criteria: Invitae Variant Classification Sherloc (09022015). Collection method: clinical testing. Allele origin: germline.
Comment: This sequence change replaces lysine, which is basic and polar, with asparagine, which is neutral and polar, at codon 386 of the PEX13 protein (p.Lys386Asn). This variant is not present in population databases (gnomAD no frequency). This variant has not been reported in the literature in individuals affected with PEX13-related conditions. ClinVar contains an entry for this variant (Variation ID: 1396817). Algorithms developed to predict the effect of missense changes on protein structure and function are either unavailable or do not agree on the potential impact of this missense change (SIFT: "Deleterious"; PolyPhen-2: "Probably Damaging"; Align-GVGD: "Class C0"). In summary, the available evidence is currently insufficient to determine the role of this variant in disease. Therefore, it has been classified as a Variant of Uncertain Significance.